The following is an entry in ClinVar:

NM_014252.4(SLC25A15):c.658G>A (p.Gly220Arg)

Gene: SLC25A15 (solute carrier family 25 member 15; plus strand). Cytogenetic location: 13q14.11.
Variant type: single nucleotide variant.
Coding change: c.658G>A on transcript NM_014252.4 (MANE Select); coding-DNA position 658, G replaced by A.
Protein change: p.Gly220Arg; replaces glycine 220 with arginine.
Molecular consequence: missense variant.
Genome position (GRCh38, 1-based): chr13:40,808,473, G>A. VCF-style: chr13-40808473-G-A. GRCh37 (hg19) VCF-style: chr13-41382609-G-A.
Other names: short protein forms G220R.
Identifiers: ClinVar variation 38401 (VCV000038401.15), dbSNP rs202247805, ClinGen allele CA343043.

ClinVar aggregate classification (germline): Pathogenic/Likely pathogenic. Review status: criteria provided, multiple submitters, no conflicts (2 of 4 stars). 5 submissions from 5 submitters: Pathogenic (2); Likely pathogenic (2). 1 of the submissions does not count toward it. Last evaluated 2026-01-07.

Conditions:
Hyperornithinemia-hyperammonemia-homocitrullinuria syndrome (HHHS). Also called: Ornithine translocase deficiency; HHH SYNDROME. Identifiers: Orphanet 415, MedGen C0268540, MONDO:0009393, OMIM 238970.

Allele frequency attached by ClinVar (database versions not stated): gnomAD exomes below 0.00001.
gnomAD v4.1: 1 of 1,613,468 alleles (0.000062%); highest among the groups gnomAD compares: South Asian, 0.0011%; no homozygotes.

Submissions (5):

Natera, Inc.
Classification: Likely pathogenic for Hyperornithinemia-hyperammonemia-homocitrullinuria syndrome. Last evaluated: 2026-01-07. Review status: criteria provided, single submitter. Criteria: Natera Variant Classification Schema (03/2026). Collection method: clinical testing. Allele origin: germline.
Comment: The c.658G>A variant in SLC25A15 is a missense variant predicted to cause substitution of glycine to arginine at amino acid 220. This variant is rare in the general population with a frequency below the threshold expected for the associated phenotype(s). This variant has been observed in one or more individuals affected with the associated recessive disease, as either homozygous or compound heterozygous with a second variant (PMID: 17825324, 23430880). Functional studies show that this variant may disrupt protein function (PMID: 23430880). Computational prediction algorithms indicate this variant is likely to affect gene or protein function. Given the available evidence, this variant is classified as Likely Pathogenic.

Revvity Omics, Revvity
Classification: Pathogenic for Hyperornithinemia-hyperammonemia-homocitrullinuria syndrome. Last evaluated: 2023-10-18. Review status: criteria provided, single submitter. Criteria: ACMG Guidelines, 2015. Collection method: clinical testing. Allele origin: germline.

Fulgent Genetics
Classification: Likely pathogenic for Hyperornithinemia-hyperammonemia-homocitrullinuria syndrome. Last evaluated: 2021-07-30. Review status: criteria provided, single submitter. Criteria: ACMG Guidelines, 2015. Collection method: clinical testing. Allele origin: unknown.

Labcorp Genetics (formerly Invitae), Labcorp
Classification: Pathogenic for Hyperornithinemia-hyperammonemia-homocitrullinuria syndrome. Last evaluated: 2019-10-17. Review status: criteria provided, single submitter. Criteria: Invitae Variant Classification Sherloc (09022015). Collection method: clinical testing. Allele origin: germline.
Comment: For these reasons, this variant has been classified as Pathogenic. This variant has been reported to affect SLC25A15 protein function (PMID: 23430880). This variant has been observed to segregate with SLC25A15-related conditions (PMID: 17825324, 23430880). ClinVar contains an entry for this variant (Variation ID: 38401). This variant is not present in population databases (ExAC no frequency). This sequence change replaces glycine with arginine at codon 220 of the SLC25A15 protein (p.Gly220Arg). The glycine residue is highly conserved and there is a moderate physicochemical difference between glycine and arginine.

GeneReviews
No classification provided. Condition: Hyperornithinemia-hyperammonemia-homocitrullinuria syndrome. Review status: no classification provided. Collection method: literature only. Allele origin: unknown. Not counted in ClinVar's aggregate classification.

Literature cited by the submitters: PubMed 17825324 (cited by Natera, Inc. and Labcorp Genetics (formerly Invitae), Labcorp); PubMed 23430880 (cited by Natera, Inc. and Labcorp Genetics (formerly Invitae), Labcorp); PubMed 22649802 (cited by GeneReviews); NCBI Bookshelf NBK97260 (cited by GeneReviews).